The following is an entry in ClinVar:

ClinVar aggregate classification (germline): Likely benign. Review status: criteria provided, single submitter (1 of 4 stars). 2 submissions from 2 submitters: Likely benign (1). 1 of the submissions does not count toward it. Last evaluated 2025-03-22.

Conditions:
LRRK1-related disorder. Also called: LRRK1-related condition.

gnomAD v4.1: 63 of 1,611,126 alleles (0.0039%); highest among the groups gnomAD compares: Admixed American, 0.06%; no homozygotes.

Submissions (2):

Labcorp Genetics (formerly Invitae), Labcorp
Classification: Likely benign. Last evaluated: 2025-03-22. Review status: criteria provided, single submitter. Criteria: Invitae Variant Classification Sherloc (09022015). Collection method: clinical testing. Allele origin: germline.

PreventionGenetics, part of Exact Sciences
Classification: Likely benign for LRRK1-related condition. Last evaluated: 2019-06-19. Review status: no assertion criteria provided. Collection method: clinical testing. Allele origin: germline. Not counted in ClinVar's aggregate classification.
Comment: This variant is classified as likely benign based on ACMG/AMP sequence variant interpretation guidelines (Richards et al. 2015 PMID: 25741868, with internal and published modifications).

NM_024652.6(LRRK1):c.3723C>T (p.Ser1241=)

Genes: LRRK1 (leucine rich repeat kinase 1; plus strand), LRRK1-AS1 (LRRK1 antisense RNA 1; minus strand). Cytogenetic location: 15q26.3.
Variant type: single nucleotide variant.
Coding change: c.3723C>T on transcript NM_024652.6 (MANE Select); coding-DNA position 3723, C replaced by T.
Protein change: p.Ser1241=; no amino-acid change (serine 1241 retained).
Molecular consequence: synonymous variant.
Genome position (GRCh38, 1-based): chr15:101,052,955, C>T. VCF-style: chr15-101052955-C-T. GRCh37 (hg19) VCF-style: chr15-101593160-C-T.
Identifiers: ClinVar variation 2074762 (VCV002074762.6), dbSNP rs377311326, ClinGen allele CA7761626.
Genomic context (GRCh38, chr15:101,052,955, plus strand): 5'-GTGGCTGATGCCGGGCGTGTGTGGCAGGCTCTTCCTGGAGAACAGCAAGCTGGAGCACAG[C>T]GAGGACGAGGGCAGCGTCCTGGGCCAGGGCGGCAGTGGCACCGTCATCTACCGGGCCCGG-3'
Protein context (NP_078928.3, residues 1231-1251): LFLENSKLEH[Ser1241=]EDEGSVLGQG